The following is an entry in ClinVar:

NM_001927.4(DES):c.80G>T (p.Gly27Val)

Gene: DES (desmin; plus strand). Cytogenetic location: 2q35.
Variant type: single nucleotide variant.
Coding change: c.80G>T on transcript NM_001927.4 (MANE Select); coding-DNA position 80, G replaced by T.
Protein change: p.Gly27Val; replaces glycine 27 with valine.
Molecular consequence: missense variant.
Genome position (GRCh38, 1-based): chr2:219,418,542, G>T. VCF-style: chr2-219418542-G-T. GRCh37 (hg19) VCF-style: chr2-220283264-G-T.
Other names: c.80G>T, p.Gly27Val (NM_001382708.1, NM_001382709.1, NM_001382710.1 and 3 more transcripts); short protein forms G27V.
Identifiers: ClinVar variation 4782447 (VCV004782447.1).

ClinVar aggregate classification (germline): Uncertain significance (1 of 4 stars; one submission).

Conditions:
Desmin-related myofibrillar myopathy (MFM1). Also called: Desminopathy; Desmin related myopathy (former name); Desmin storage myopathy (former name); MYOFIBRILLAR MYOPATHY WITH ARRHYTHMOGENIC RIGHT VENTRICULAR CARDIOMYOPATHY; DESMIN-RELATED MYOPATHY WITH ARRHYTHMOGENIC RIGHT VENTRICULAR CARDIOMYOPATHY; Myofibrillar myopathy 1. Identifiers: Orphanet 363543, Orphanet 98909, MedGen C1832370, MONDO:0011076, OMIM 601419.

Submission:

Labcorp Genetics (formerly Invitae), Labcorp
Classification: Uncertain significance for Desmin-related myofibrillar myopathy. Last evaluated: 2025-07-29. Review status: criteria provided, single submitter. Criteria: Invitae Variant Classification Sherloc (09022015). Collection method: clinical testing. Allele origin: germline.
Comment: This sequence change replaces glycine, which is neutral and non-polar, with valine, which is neutral and non-polar, at codon 27 of the DES protein (p.Gly27Val). This variant is not present in population databases (gnomAD no frequency). This variant has not been reported in the literature in individuals affected with DES-related conditions. An algorithm developed to predict the effect of missense changes on protein structure and function outputs the following: PolyPhen-2: "Not Available". The valine amino acid residue is found in multiple mammalian species, which suggests that this missense change does not adversely affect protein function. In summary, the available evidence is currently insufficient to determine the role of this variant in disease. Therefore, it has been classified as a Variant of Uncertain Significance.